The following is an entry in ClinVar:

ClinVar aggregate classification (germline): Uncertain significance (1 of 4 stars; one submission).

gnomAD v4.1: 2 of 1,611,722 alleles (0.00012%); highest among the groups gnomAD compares: Non-Finnish European, 0.00017%; no homozygotes.

Submission:

CeGaT Center for Human Genetics Tuebingen
Classification: Uncertain significance. Last evaluated: 2025-09-01. Review status: criteria provided, single submitter. Criteria: CeGaT Center For Human Genetics Tuebingen Variant Classification Criteria Version 2. Collection method: clinical testing. Allele origin: germline. Affected: yes. Observed: 1 variant allele.
Comment: CACNA1H: PM2

NM_021098.3(CACNA1H):c.1117C>T (p.Gln373Ter)

Gene: CACNA1H (calcium voltage-gated channel subunit alpha1 H; plus strand). Cytogenetic location: 16p13.3.
Variant type: single nucleotide variant.
Coding change: c.1117C>T on transcript NM_021098.3 (MANE Select); coding-DNA position 1117, C replaced by T.
Protein change: p.Gln373Ter; replaces glutamine 373 with a stop codon.
Molecular consequence: nonsense.
Genome position (GRCh38, 1-based): chr16:1,200,569, C>T. VCF-style: chr16-1200569-C-T. GRCh37 (hg19) VCF-style: chr16-1250569-C-T.
Other names: c.1117C>T, p.Gln373Ter (NM_001005407.2); short protein forms Q373*.
Identifiers: ClinVar variation 4281424 (VCV004281424.7).